The following is an entry in ClinVar:

ClinVar aggregate classification (germline): Likely benign. Review status: criteria provided, single submitter (1 of 4 stars). 2 submissions from 2 submitters: Likely benign (1). 1 of the submissions does not count toward it. Last evaluated 2026-01-12.

Conditions:
FBN3-related disorder. Also called: FBN3-related condition.

Allele frequency attached by ClinVar (database versions not stated): ESP Exome Variant Server 0.00023; TOPMed 0.00020; gnomAD exomes 0.00058; 1000 Genomes Project 0.00080; 1000 Genomes Project 30x 0.00094; ExAC 0.00098; gnomAD 0.00034.
gnomAD v4.1: 904 of 1,613,980 alleles (0.056%); highest among the groups gnomAD compares: South Asian, 0.62%; 11 homozygotes.

Submissions (2):

Labcorp Genetics (formerly Invitae), Labcorp
Classification: Likely benign. Last evaluated: 2026-01-12. Review status: criteria provided, single submitter. Criteria: Invitae Variant Classification Sherloc (09022015). Collection method: clinical testing. Allele origin: germline.

PreventionGenetics, part of Exact Sciences
Classification: Likely benign for FBN3-related condition. Last evaluated: 2019-02-21. Review status: no assertion criteria provided. Collection method: clinical testing. Allele origin: germline. Not counted in ClinVar's aggregate classification.
Comment: This variant is classified as likely benign based on ACMG/AMP sequence variant interpretation guidelines (Richards et al. 2015 PMID: 25741868, with internal and published modifications).

NM_032447.5(FBN3):c.5501G>A (p.Arg1834His)

Gene: FBN3 (fibrillin 3; minus strand). Cytogenetic location: 19p13.2.
Variant type: single nucleotide variant.
Coding change: c.5501G>A on transcript NM_032447.5 (MANE Select); coding-DNA position 5501, G replaced by A.
Protein change: p.Arg1834His; replaces arginine 1834 with histidine.
Molecular consequence: missense variant.
Genome position (GRCh38, 1-based): chr19:8,096,482, C>T on the plus strand (G>A on the coding strand, the complement: FBN3 is on the minus strand). VCF-style: chr19-8096482-C-T. GRCh37 (hg19) VCF-style: chr19-8161366-C-T.
Other names: c.5501G>A (NM_001321431.1); c.5501G>A, p.Arg1834His (NM_001321431.2); short protein forms R1834H.
Identifiers: ClinVar variation 2758225 (VCV002758225.5), dbSNP rs149009479, ClinGen allele CA9151646.